The following is an entry in ClinVar:

NM_004360.5(CDH1):c.-71C>G

Genes: CDH1 (cadherin 1; plus strand), LOC130059290 (ATAC-STARR-seq lymphoblastoid silent region 7650; plus strand). Cytogenetic location: 16q22.1.
Variant type: single nucleotide variant.
Coding change: c.-71C>G on transcript NM_004360.5 (MANE Select); 71 bases upstream of the start codon, C replaced by G.
Molecular consequence: 5 prime UTR variant.
Genome position (GRCh38, 1-based): chr16:68,737,345, C>G. VCF-style: chr16-68737345-C-G. GRCh37 (hg19) VCF-style: chr16-68771248-C-G.
Other names: c.-71C>G (LRG_301t1, NM_001317184.2); c.-1686C>G (NM_001317185.2); c.-1890C>G (NM_001317186.2).
Identifiers: ClinVar variation 221174 (VCV000221174.64), dbSNP rs34033771, ClinGen allele CA350015.

ClinVar aggregate classification (germline): Benign. Review status: reviewed by expert panel (3 of 4 stars). 15 submissions from 14 submitters: Benign (1). 14 of the submissions do not count toward it. Last evaluated 2023-08-10.

Conditions:
Prostate cancer. Also called: Malignant tumor of prostate. Identifiers: Orphanet 1331, MedGen C0376358, MONDO:0008315, HP:0012125.
Endometrial carcinoma. Also called: Endometrial carcinoma, somatic. Identifiers: MedGen C0476089, MONDO:0002447, OMIM 608089, HP:0012114.
Blepharocheilodontic syndrome 1 (BCDS1). Identifiers: Orphanet 1997, MedGen C4551988, MONDO:0054740, OMIM 119580.
Hereditary diffuse gastric adenocarcinoma (HDGC). Also called: DIFFUSE GASTRIC AND LOBULAR BREAST CANCER SYNDROME. Identifiers: Orphanet 26106, MedGen C1708349, MONDO:0007648, OMIM 137215.
Ovarian neoplasm. Also called: Neoplasm of ovary; Ovarian tumor; Ovarian Neoplasms. Identifiers: MedGen C0919267, MeSH D010051, MONDO:0021068, HP:0100615.
Familial cancer of breast. Also called: BREAST CANCER, FAMILIAL; hereditary breast carcinoma; Hereditary breast cancer. Identifiers: Orphanet 227535, MedGen C0346153, MONDO:0016419, OMIM 114480. Disease mechanism: loss of function.
Hereditary cancer-predisposing syndrome. Also called: Neoplastic Syndromes, Hereditary; Tumor predisposition; Hereditary Cancer Syndrome; Hereditary neoplastic syndrome. Identifiers: Orphanet 140162, MedGen C0027672, MeSH D009386, MONDO:0015356.
CDH1-related diffuse gastric and lobular breast cancer syndrome. Also called: CDH1-related diffuse gastric and lobular breast cancer. Identifiers: MedGen CN311521, MONDO:0100488.

Allele frequency attached by ClinVar (database versions not stated): 1000 Genomes Project 0.00559; 1000 Genomes Project 30x 0.00578; TOPMed 0.00751; gnomAD 0.00927 and 0.00929; gnomAD exomes 0.01203.
gnomAD v4.1: 15,436 of 1,328,408 alleles (1.2%); highest among the groups gnomAD compares: Non-Finnish European, 1.3%; 107 homozygotes.

Submissions (15):

Clingen Gastric Cancer Variant Curation Expert Panel
Classification: Benign for CDH1-related diffuse gastric and lobular breast cancer syndrome. Last evaluated: 2023-08-10. Review status: reviewed by expert panel. Criteria: ClinGen CDH1 ACMG Specifications V3.1. Collection method: curation. Allele origin: germline. Inheritance: Autosomal dominant inheritance.
Comment: The NM_004360.5(CDH1):c.-71C>G variant has an allele frequency of 0.01628 (1.628%, 251/15418 alleles, 2 homozygotes) in the European (Non-Finnish) subpopulation of the gnomAD v2.1.1 cohort (BA1; BP2). Therefore, this variant meets criteria to be classified as benign. ACMG/AMP criteria applied, as specified by the CDH1 Variant Curation Expert Panel (Variant Interpretation Guidelines Version 3.1): BA1, BP2.

CeGaT Center for Human Genetics Tuebingen
Classification: Benign. Last evaluated: 2026-09-01. Review status: criteria provided, single submitter. Criteria: CeGaT Center For Human Genetics Tuebingen Variant Classification Criteria Version 2. Collection method: clinical testing. Allele origin: germline. Affected: yes. Observed: 83 variant alleles. Not counted in ClinVar's aggregate classification.
Comment: CDH1: BS1, BS2

Labcorp Genetics (formerly Invitae), Labcorp
Classification: Benign for Hereditary diffuse gastric adenocarcinoma. Last evaluated: 2026-01-12. Review status: criteria provided, single submitter. Criteria: Invitae Variant Classification Sherloc (09022015). Collection method: clinical testing. Allele origin: germline. Not counted in ClinVar's aggregate classification.

ARUP Laboratories, Molecular Genetics and Genomics, ARUP Laboratories
Classification: Benign. Last evaluated: 2025-06-19. Review status: criteria provided, single submitter. Criteria: ARUP Molecular Germline Variant Investigation Process 2024. Collection method: clinical testing. Allele origin: germline. Not counted in ClinVar's aggregate classification.

KCCC/NGS Laboratory, Kuwait Cancer Control Center
Classification: Benign for Hereditary diffuse gastric adenocarcinoma. Last evaluated: 2025-02-01. Review status: criteria provided, single submitter. Criteria: ACMG Guidelines, 2015. Collection method: clinical testing. Allele origin: germline. Affected: no. Not counted in ClinVar's aggregate classification.

KCCC/NGS Laboratory, Kuwait Cancer Control Center
Classification: Benign for Familial prostate cancer. Last evaluated: 2023-07-07. Review status: criteria provided, single submitter. Criteria: ACMG Guidelines, 2015. Collection method: clinical testing. Allele origin: germline. Affected: yes. Not counted in ClinVar's aggregate classification.

European Reference Network on Genetic Tumour Risk Syndromes (ERN-GENTURIS), i3s - Instituto de Investigação e Inovação em Saúde, University of Porto
Classification: Benign for Hereditary diffuse gastric adenocarcinoma. Last evaluated: 2022-08-01. Review status: criteria provided, single submitter. Criteria: Lee et al. (Hum Mutat. 2018). Collection method: clinical testing. Allele origin: germline. Inheritance: Autosomal dominant inheritance. Affected: no. Study: ERN GENTURIS. Not counted in ClinVar's aggregate classification.
Comment: BA1; BP2_Supporting (PMID: 30311375)

Fulgent Genetics
Classification: Benign for Familial cancer of breast; Blepharocheilodontic syndrome 1; Hereditary diffuse gastric adenocarcinoma; Ovarian cancer; Familial prostate cancer; Endometrial carcinoma. Last evaluated: 2022-05-18. Review status: criteria provided, single submitter. Criteria: ACMG Guidelines, 2015. Collection method: clinical testing. Allele origin: unknown. Not counted in ClinVar's aggregate classification.

Sema4
Classification: Benign for Hereditary cancer-predisposing syndrome. Last evaluated: 2020-05-04. Review status: criteria provided, single submitter. Criteria: Sema4 Curation Guidelines. Collection method: curation. Allele origin: germline. Not counted in ClinVar's aggregate classification.

GeneDx
Classification: Likely benign. Last evaluated: 2018-06-15. Review status: criteria provided, single submitter. Criteria: GeneDx Variant Classification (06012015). Collection method: clinical testing. Allele origin: germline. Affected: yes. Not counted in ClinVar's aggregate classification.
Comment: This variant is considered likely benign or benign based on one or more of the following criteria: it is a conservative change, it occurs at a poorly conserved position in the protein, it is predicted to be benign by multiple in silico algorithms, and/or has population frequency not consistent with disease.

Illumina Laboratory Services, Illumina
Classification: Likely benign for Hereditary diffuse gastric adenocarcinoma. Last evaluated: 2018-02-13. Review status: criteria provided, single submitter. Criteria: ICSL Variant Classification Criteria 13 December 2019. Collection method: clinical testing. Allele origin: germline. Not counted in ClinVar's aggregate classification.
Comment: This variant was observed as part of a predisposition screen in an ostensibly healthy population. A literature search was performed for the gene, cDNA change, and amino acid change (where applicable). Publications were found based on this search. The evidence from the literature, in combination with allele frequency data from public databases where available, was sufficient to determine this variant is unlikely to cause disease. Therefore, this variant is classified as likely benign.

Breakthrough Genomics
Classification: Benign. Review status: criteria provided, single submitter. Criteria: ACMG Guidelines, 2015. Collection method: not provided. Allele origin: germline. Inheritance: Autosomal dominant inheritance. Affected: yes. Not counted in ClinVar's aggregate classification.

Counsyl
Classification: Benign for Hereditary diffuse gastric adenocarcinoma. Last evaluated: 2017-11-14. Review status: no assertion criteria provided. Collection method: clinical testing. Allele origin: unknown. Not counted in ClinVar's aggregate classification.

Department of Pathology and Laboratory Medicine, Sinai Health System
Classification: Uncertain significance. Review status: no assertion criteria provided. Collection method: clinical testing. Allele origin: unknown. Affected: yes. Study: The Canadian Open Genetics Repository (COGR). Not counted in ClinVar's aggregate classification.

Mayo Clinic Laboratories, Mayo Clinic
Classification: Likely benign. Review status: no assertion criteria provided. Collection method: clinical testing. Allele origin: unknown. Not counted in ClinVar's aggregate classification.

Literature cited by the submitters: PubMed 36436516 (cited by European Reference Network on Genetic Tumour Risk Syndromes (ERN-GENTURIS), i3s - Instituto de Investigação e Inovação em Saúde, University of Porto); PubMed 11948460 (cited by Illumina Laboratory Services, Illumina); PubMed 16801346 (cited by Illumina Laboratory Services, Illumina and Counsyl); PubMed 11332401 (cited by Illumina Laboratory Services, Illumina); PubMed 24204729 (cited by Counsyl); PubMed 27146957 (cited by Counsyl).